The following is an entry in ClinVar:

NM_032043.3(BRIP1):c.1629-7_1642del

Gene: BRIP1 (BRCA1 interacting DNA helicase 1; minus strand). Cytogenetic location: 17q23.2.
Variant type: Deletion.
Coding change: c.1629-7_1642del on transcript NM_032043.3 (MANE Select); 7 bases into the intron before coding-DNA position 1629 through coding-DNA position 1642, 21 bases deleted (CATCTAGATTTGCAGATGATT).
Molecular consequence: splice acceptor variant.
Genome position (GRCh38, 1-based): chr17:61,780,992-61,781,012, AATCATCTGCAAATCTAGATG deleted on the plus strand (CATCTAGATTTGCAGATGATT on the coding strand, the reverse complement: BRIP1 is on the minus strand). VCF-style (leftmost placement, unchanged base first): chr17-61780991-TAATCATCTGCAAATCTAGATG-T. GRCh37 (hg19) VCF-style: chr17-59858352-TAATCATCTGCAAATCTAGATG-T.
Identifiers: ClinVar variation 2583750 (VCV002583750.2), dbSNP rs2545031648, ClinGen allele CA2582342284.

ClinVar aggregate classification (germline): Likely pathogenic (1 of 4 stars; one submission).

Conditions:
Familial cancer of breast. Also called: Hereditary breast cancer; BREAST CANCER, FAMILIAL; hereditary breast carcinoma. Identifiers: Orphanet 227535, MedGen C0346153, MONDO:0016419, OMIM 114480. Disease mechanism: loss of function.

Submission:

Myriad Genetics, Inc.
Classification: Likely pathogenic for Familial cancer of breast. Last evaluated: 2023-06-02. Review status: criteria provided, single submitter. Criteria: Myriad Autosomal Dominant, Autosomal Recessive and X-Linked Classification Criteria (2023). Collection method: clinical testing. Allele origin: unknown.
Comment: This variant is considered likely pathogenic. This variant occurs within a consensus splice junction and is predicted to result in abnormal mRNA splicing of either an out-of-frame exon or an in-frame exon necessary for protein stability and/or normal function.